The following is an entry in ClinVar:

ClinVar aggregate classification (germline): Uncertain significance (1 of 4 stars; one submission).

Conditions:
Charcot-Marie-Tooth disease axonal type 2C (HMSN2C). Also called: CHARCOT-MARIE-TOOTH DISEASE, AXONAL, AUTOSOMAL DOMINANT, TYPE 2C; Charcot-Marie-Tooth Neuropathy Type 2C; Charcot-Marie-Tooth Disease Type 2, TRPV4-Related (CMT2C). Identifiers: Orphanet 99937, MedGen C1853710, MONDO:0011633, OMIM 606071.

Allele frequency attached by ClinVar (database versions not stated): gnomAD exomes below 0.00001.
gnomAD v4.1: 1 of 1,614,270 alleles (0.000062%); highest among the groups gnomAD compares: Non-Finnish European, 0.000085%; no homozygotes.

Submission:

Labcorp Genetics (formerly Invitae), Labcorp
Classification: Uncertain significance for Charcot-Marie-Tooth disease axonal type 2C. Last evaluated: 2019-06-29. Review status: criteria provided, single submitter. Criteria: Invitae Variant Classification Sherloc (09022015). Collection method: clinical testing. Allele origin: germline.
Comment: This sequence change replaces serine with glycine at codon 663 of the TRPV4 protein (p.Ser663Gly). The serine residue is moderately conserved and there is a small physicochemical difference between serine and glycine. This variant is not present in population databases (ExAC no frequency). This variant has not been reported in the literature in individuals with TRPV4-related conditions. Algorithms developed to predict the effect of missense changes on protein structure and function are either unavailable or do not agree on the potential impact of this missense change (SIFT: "Tolerated"; PolyPhen-2: "Possibly Damaging"; Align-GVGD: "Class C0"). In summary, the available evidence is currently insufficient to determine the role of this variant in disease. Therefore, it has been classified as a Variant of Uncertain Significance.

NM_021625.5(TRPV4):c.1987A>G (p.Ser663Gly)

Gene: TRPV4 (transient receptor potential cation channel subfamily V member 4; minus strand). Cytogenetic location: 12q24.11.
Variant type: single nucleotide variant.
Coding change: c.1987A>G on transcript NM_021625.5 (MANE Select); coding-DNA position 1987, A replaced by G.
Protein change: p.Ser663Gly; replaces serine 663 with glycine.
Molecular consequence: missense variant.
Genome position (GRCh38, 1-based): chr12:109,788,621, T>C on the plus strand (A>G on the coding strand, the complement: TRPV4 is on the minus strand). VCF-style: chr12-109788621-T-C. GRCh37 (hg19) VCF-style: chr12-110226426-T-C.
Other names: c.1846A>G, p.Ser616Gly (NM_001177428.2); c.1885A>G, p.Ser629Gly (NM_001177431.2); c.1666A>G, p.Ser556Gly (NM_001177433.2); c.1807A>G, p.Ser603Gly (NM_147204.3); short protein forms S603G, S556G, S663G, S629G, S616G.
Identifiers: ClinVar variation 950746 (VCV000950746.9), dbSNP rs1889846400, ClinGen allele CA386650854.